The following is an entry in ClinVar:

NM_198859.4(PRICKLE2):c.907C>G (p.Gln303Glu)

Gene: PRICKLE2 (prickle planar cell polarity protein 2; minus strand). Cytogenetic location: 3p14.1.
Variant type: single nucleotide variant.
Coding change: c.907C>G on transcript NM_198859.4 (MANE Select); coding-DNA position 907, C replaced by G.
Protein change: p.Gln303Glu; replaces glutamine 303 with glutamic acid.
Molecular consequence: missense variant.
Genome position (GRCh38, 1-based): chr3:64,147,583, G>C on the plus strand (C>G on the coding strand, the complement: PRICKLE2 is on the minus strand). VCF-style: chr3-64147583-G-C. GRCh37 (hg19) VCF-style: chr3-64133259-G-C.
Other names: c.907C>G, p.Gln303Glu (NM_001370528.1); short protein forms Q303E.
Identifiers: ClinVar variation 3653089 (VCV003653089.2).

ClinVar aggregate classification (germline): Uncertain significance (1 of 4 stars; one submission).

Conditions:
Progressive myoclonic epilepsy type 5. Identifiers: Orphanet 402082, MedGen C5190799.

gnomAD v4.1: 1 of 1,614,236 alleles (0.000062%); highest among the groups gnomAD compares: Admixed American, 0.0017%; no homozygotes.

Submission:

Labcorp Genetics (formerly Invitae), Labcorp
Classification: Uncertain significance for Progressive myoclonic epilepsy type 5. Last evaluated: 2024-05-12. Review status: criteria provided, single submitter. Criteria: Invitae Variant Classification Sherloc (09022015). Collection method: clinical testing. Allele origin: germline.
Comment: This sequence change replaces glutamine, which is neutral and polar, with glutamic acid, which is acidic and polar, at codon 303 of the PRICKLE2 protein (p.Gln303Glu). This variant is present in population databases (no rsID available, gnomAD 0.003%). This variant has not been reported in the literature in individuals affected with PRICKLE2-related conditions. Advanced modeling of protein sequence and biophysical properties (such as structural, functional, and spatial information, amino acid conservation, physicochemical variation, residue mobility, and thermodynamic stability) performed at Invitae indicates that this missense variant is not expected to disrupt PRICKLE2 protein function with a negative predictive value of 80%. In summary, the available evidence is currently insufficient to determine the role of this variant in disease. Therefore, it has been classified as a Variant of Uncertain Significance.